The following is an entry in ClinVar:

ClinVar aggregate classification (germline): Uncertain significance. Review status: criteria provided, multiple submitters, no conflicts (2 of 4 stars). 2 submissions from 2 submitters: Uncertain significance (2). Last evaluated 2025-11-17.

Conditions:
Ataxia-telangiectasia syndrome (AT). Also called: LOUIS-BAR SYNDROME; Cerebello-oculocutaneous telangiectasia; Immunodeficiency with ataxia telangiectasia; Ataxia telangiectasia (A-T); Ataxia-telangiectasia, complementation group D; AT, COMPLEMENTATION GROUP C. Identifiers: Orphanet 100, MedGen C0004135, MONDO:0008840, OMIM 208900.
Hereditary cancer-predisposing syndrome. Also called: Neoplastic Syndromes, Hereditary; Tumor predisposition; Hereditary Cancer Syndrome; Hereditary neoplastic syndrome. Identifiers: Orphanet 140162, MedGen C0027672, MeSH D009386, MONDO:0015356.

Allele frequency attached by ClinVar (database versions not stated): gnomAD exomes below 0.00001.
gnomAD v4.1: 2 of 1,614,070 alleles (0.00012%); highest among the groups gnomAD compares: Non-Finnish European, 0.000085%; no homozygotes.

Submissions (2):

Labcorp Genetics (formerly Invitae), Labcorp
Classification: Uncertain significance for Ataxia-telangiectasia syndrome. Last evaluated: 2025-11-17. Review status: criteria provided, single submitter. Criteria: Invitae Variant Classification Sherloc (09022015). Collection method: clinical testing. Allele origin: germline.
Comment: This sequence change replaces asparagine, which is neutral and polar, with serine, which is neutral and polar, at codon 2783 of the ATM protein (p.Asn2783Ser). This variant is not present in population databases (gnomAD no frequency). This variant has not been reported in the literature in individuals affected with ATM-related conditions. ClinVar contains an entry for this variant (Variation ID: 1465769). Invitae Evidence Modeling of protein sequence and biophysical properties (such as structural, functional, and spatial information, amino acid conservation, physicochemical variation, residue mobility, and thermodynamic stability) indicates that this missense variant is not expected to disrupt ATM protein function with a negative predictive value of 95%. In summary, the available evidence is currently insufficient to determine the role of this variant in disease. Therefore, it has been classified as a Variant of Uncertain Significance.

Ambry Genetics
Classification: Uncertain significance for Hereditary cancer-predisposing syndrome. Last evaluated: 2025-05-20. Review status: criteria provided, single submitter. Criteria: Ambry Variant Classification Scheme 2023. Collection method: clinical testing. Allele origin: germline.
Comment: The p.N2783S variant (also known as c.8348A>G), located in coding exon 56 of the ATM gene, results from an A to G substitution at nucleotide position 8348. The asparagine at codon 2783 is replaced by serine, an amino acid with highly similar properties. This amino acid position is not well conserved in available vertebrate species. In addition, this alteration is predicted to be tolerated by in silico analysis. Since supporting evidence is limited at this time, the clinical significance of this alteration remains unclear.

NM_000051.4(ATM):c.8348A>G (p.Asn2783Ser)

Genes: ATM (ATM serine/threonine kinase; plus strand), C11orf65 (chromosome 11 open reading frame 65; minus strand). Cytogenetic location: 11q22.3.
Variant type: single nucleotide variant.
Coding change: c.8348A>G on transcript NM_000051.4 (MANE Select); coding-DNA position 8348, A replaced by G.
Protein change: p.Asn2783Ser; replaces asparagine 2783 with serine.
Molecular consequence: missense variant. On other transcripts: intron variant (2).
Genome position (GRCh38, 1-based): chr11:108,343,301, A>G. VCF-style: chr11-108343301-A-G. GRCh37 (hg19) VCF-style: chr11-108214028-A-G.
Other names: c.8348A>G, p.Asn2783Ser (NM_001351834.2); c.641-34230T>C (NM_001330368.2); c.695-8009T>C (NM_001351110.2); short protein forms N2783S.
Identifiers: ClinVar variation 1465769 (VCV001465769.11), dbSNP rs2087826921, ClinGen allele CA382516474.